The following is an entry in ClinVar:

NM_021942.6(TRAPPC11):c.2839C>A (p.Gln947Lys)

Gene: TRAPPC11 (trafficking protein particle complex subunit 11; plus strand). Cytogenetic location: 4q35.1.
Variant type: single nucleotide variant.
Coding change: c.2839C>A on transcript NM_021942.6 (MANE Select); coding-DNA position 2839, C replaced by A.
Protein change: p.Gln947Lys; replaces glutamine 947 with lysine.
Molecular consequence: missense variant.
Genome position (GRCh38, 1-based): chr4:183,697,823, C>A. VCF-style: chr4-183697823-C-A. GRCh37 (hg19) VCF-style: chr4-184618976-C-A.
Other names: c.2839C>A, p.Gln947Lys (NM_199053.3); c.2839C>A (NM_021942.4); short protein forms Q947K.
Identifiers: ClinVar variation 1989595 (VCV001989595.4), dbSNP rs1736618451, ClinGen allele CA358873559.

ClinVar aggregate classification (germline): Uncertain significance. Review status: criteria provided, multiple submitters, no conflicts (2 of 4 stars). 2 submissions from 2 submitters: Uncertain significance (2). Last evaluated 2025-10-15.

Conditions:
Inborn genetic diseases. Identifiers: MedGen C0950123, MeSH D030342.
Autosomal recessive limb-girdle muscular dystrophy type R18 (LGMDR18). Also called: MUSCULAR DYSTROPHY, LIMB-GIRDLE, AUTOSOMAL RECESSIVE 18; Autosomal recessive limb-girdle muscular dystrophy type 2S; Limb-girdle muscular dystrophy, type 2S. Identifiers: Orphanet 369840, MedGen C4517996, MONDO:0014144, OMIM 615356.

Allele frequency attached by ClinVar (database versions not stated): TOPMed 0.00002; gnomAD 0.00001.
gnomAD v4.1: 1 of 1,613,476 alleles (0.000062%); highest among the groups gnomAD compares: Admixed American, 0.0017%; no homozygotes.

Submissions (2):

Ambry Genetics
Classification: Uncertain significance for Inborn genetic diseases. Last evaluated: 2025-10-15. Review status: criteria provided, single submitter. Criteria: Ambry Variant Classification Scheme 2023. Collection method: clinical testing. Allele origin: germline.

Labcorp Genetics (formerly Invitae), Labcorp
Classification: Uncertain significance for Autosomal recessive limb-girdle muscular dystrophy type R18. Last evaluated: 2022-10-13. Review status: criteria provided, single submitter. Criteria: Invitae Variant Classification Sherloc (09022015). Collection method: clinical testing. Allele origin: germline.
Comment: In summary, the available evidence is currently insufficient to determine the role of this variant in disease. Therefore, it has been classified as a Variant of Uncertain Significance. Advanced modeling of protein sequence and biophysical properties (such as structural, functional, and spatial information, amino acid conservation, physicochemical variation, residue mobility, and thermodynamic stability) performed at Invitae indicates that this missense variant is expected to disrupt TRAPPC11 protein function. This variant has not been reported in the literature in individuals affected with TRAPPC11-related conditions. This variant is not present in population databases (gnomAD no frequency). This sequence change replaces glutamine, which is neutral and polar, with lysine, which is basic and polar, at codon 947 of the TRAPPC11 protein (p.Gln947Lys).